The following is an entry in ClinVar:

ClinVar aggregate classification (germline): Conflicting classifications of pathogenicity. Review status: criteria provided, conflicting classifications (1 of 4 stars). 4 submissions from 4 submitters: Uncertain significance (3); Benign (1). Last evaluated 2026-01-28.

Conditions:
Hereditary cancer-predisposing syndrome. Also called: Hereditary neoplastic syndrome; Neoplastic Syndromes, Hereditary; Tumor predisposition; Hereditary Cancer Syndrome. Identifiers: Orphanet 140162, MedGen C0027672, MeSH D009386, MONDO:0015356.
Tuberous sclerosis 1 (TSC1). Identifiers: Orphanet 805, MedGen C1854465, MONDO:0008612, OMIM 191100.

Allele frequency attached by ClinVar (database versions not stated): gnomAD exomes below 0.00001; TOPMed below 0.00001.
gnomAD v4.1: 2 of 1,614,224 alleles (0.00012%); highest among the groups gnomAD compares: Non-Finnish European, 0.00017%; no homozygotes.

Submissions (4):

Labcorp Genetics (formerly Invitae), Labcorp
Classification: Benign for Tuberous sclerosis 1. Last evaluated: 2026-01-28. Review status: criteria provided, single submitter. Criteria: Invitae Variant Classification Sherloc (09022015). Collection method: clinical testing. Allele origin: germline.

Ambry Genetics
Classification: Uncertain significance for Hereditary cancer-predisposing syndrome. Last evaluated: 2025-11-12. Review status: criteria provided, single submitter. Criteria: Ambry Variant Classification Scheme 2023. Collection method: clinical testing. Allele origin: germline.
Comment: The p.N1098S variant (also known as c.3293A>G), located in coding exon 21 of the TSC1 gene, results from an A to G substitution at nucleotide position 3293. The asparagine at codon 1098 is replaced by serine, an amino acid with highly similar properties. This amino acid position is highly conserved in available vertebrate species. In addition, this alteration is predicted to be tolerated by in silico analysis. Since supporting evidence is limited at this time, the clinical significance of this alteration remains unclear.

GeneDx
Classification: Uncertain significance. Last evaluated: 2023-12-09. Review status: criteria provided, single submitter. Criteria: GeneDx Variant Classification Process June 2021. Collection method: clinical testing. Allele origin: germline. Affected: yes.
Comment: Not observed at significant frequency in large population cohorts (gnomAD); In silico analysis supports that this missense variant does not alter protein structure/function; Has not been previously published as pathogenic or benign to our knowledge

Genome-Nilou Lab
Classification: Uncertain significance for Tuberous sclerosis 1. Last evaluated: 2021-11-07. Review status: criteria provided, single submitter. Criteria: ACMG Guidelines, 2015. Collection method: clinical testing. Allele origin: germline. Affected: no.

NM_000368.5(TSC1):c.3293A>G (p.Asn1098Ser)

Gene: TSC1 (TSC complex subunit 1; minus strand). Cytogenetic location: 9q34.13.
Variant type: single nucleotide variant.
Coding change: c.3293A>G on transcript NM_000368.5 (MANE Select); coding-DNA position 3293, A replaced by G.
Protein change: p.Asn1098Ser; replaces asparagine 1098 with serine.
Molecular consequence: missense variant.
Genome position (GRCh38, 1-based): chr9:132,896,437, T>C on the plus strand (A>G on the coding strand, the complement: TSC1 is on the minus strand). VCF-style: chr9-132896437-T-C. GRCh37 (hg19) VCF-style: chr9-135771824-T-C.
Other names: c.3290A>G, p.Asn1097Ser (NM_001162426.2); c.3140A>G, p.Asn1047Ser (NM_001162427.2); c.2930A>G, p.Asn977Ser (NM_001362177.2); short protein forms N1098S, N1097S, N1047S, N977S.
Identifiers: ClinVar variation 466129 (VCV000466129.19), dbSNP rs1554812687, ClinGen allele CA375366696.
Genomic context (GRCh38, chr9:132,896,437, plus strand): 5'-TTTAGGCTCTCAGAAAGGCTACTGGTCATGCCGTCCTCATCACACTGGCTCTCGCTCTTA[T>C]TACGAAATAACTCTCGAGCCTTCATACCCAGGAAGCTTTTTGAACTGGGAAGTGAGCCCA-3'
Protein context (NP_000359.1, residues 1088-1108): LGMKARELFR[Asn1098Ser]KSESQCDEDG